The following is an entry in ClinVar:

NM_030930.4(UNC93B1):c.1668_1674delinsAGGGAA (p.His556fs)

Gene: UNC93B1 (unc-93B1 regulator of TLR signaling; minus strand). Cytogenetic location: 11q13.2.
Variant type: Indel.
Coding change: c.1668_1674delinsAGGGAA on transcript NM_030930.4 (MANE Select); coding-DNA positions 1668 to 1674, TGGGGAC replaced by AGGGAA.
Protein change: p.His556fs; shifts the reading frame from histidine 556.
Molecular consequence: frameshift variant.
Genome position (GRCh38, 1-based): chr11:67,991,666-67,991,672, GTCCCCA replaced by TTCCCT on the plus strand (TGGGGAC replaced by AGGGAA on the coding strand, the reverse complement: UNC93B1 is on the minus strand). VCF-style: chr11-67991666-GTCCCCA-TTCCCT. GRCh37 (hg19) VCF-style: chr11-67759137-GTCCCCA-TTCCCT.
Other names: short protein forms H556fs.
Identifiers: ClinVar variation 3027389 (VCV003027389.22), dbSNP rs2495469493, ClinGen allele CA2740093085.

ClinVar aggregate classification (germline): Uncertain significance (1 of 4 stars; one submission).

Submission:

CeGaT Center for Human Genetics Tuebingen
Classification: Uncertain significance. Last evaluated: 2024-02-01. Review status: criteria provided, single submitter. Criteria: CeGaT Center For Human Genetics Tuebingen Variant Classification Criteria Version 2. Collection method: clinical testing. Allele origin: germline. Affected: yes. Observed: 1 variant allele.
Comment: UNC93B1: PM2